The following is an entry in ClinVar:

ClinVar aggregate classification (germline): Uncertain significance. Review status: criteria provided, multiple submitters, no conflicts (2 of 4 stars). 2 submissions from 2 submitters: Uncertain significance (2). Last evaluated 2025-03-31.

Conditions:
Inborn genetic diseases. Identifiers: MedGen C0950123, MeSH D030342.

Submissions (2):

Labcorp Genetics (formerly Invitae), Labcorp
Classification: Uncertain significance. Last evaluated: 2025-03-31. Review status: criteria provided, single submitter. Criteria: Invitae Variant Classification Sherloc (09022015). Collection method: clinical testing. Allele origin: germline.
Comment: This sequence change replaces serine, which is neutral and polar, with arginine, which is basic and polar, at codon 1639 of the COL4A1 protein (p.Ser1639Arg). This variant is not present in population databases (gnomAD no frequency). This variant has not been reported in the literature in individuals affected with COL4A1-related conditions. ClinVar contains an entry for this variant (Variation ID: 1716629). Invitae Evidence Modeling of protein sequence and biophysical properties (such as structural, functional, and spatial information, amino acid conservation, physicochemical variation, residue mobility, and thermodynamic stability) indicates that this missense variant is not expected to disrupt COL4A1 protein function with a negative predictive value of 95%. In summary, the available evidence is currently insufficient to determine the role of this variant in disease. Therefore, it has been classified as a Variant of Uncertain Significance.

Ambry Genetics
Classification: Uncertain significance for Inborn genetic diseases. Last evaluated: 2024-09-10. Review status: criteria provided, single submitter. Criteria: Ambry Variant Classification Scheme 2023. Collection method: clinical testing. Allele origin: germline.

NM_001845.6(COL4A1):c.4917C>A (p.Ser1639Arg)

Gene: COL4A1 (collagen type IV alpha 1 chain; minus strand). Cytogenetic location: 13q34.
Variant type: single nucleotide variant.
Coding change: c.4917C>A on transcript NM_001845.6 (MANE Select); coding-DNA position 4917, C replaced by A.
Protein change: p.Ser1639Arg; replaces serine 1639 with arginine.
Molecular consequence: missense variant.
Genome position (GRCh38, 1-based): chr13:110,152,345, G>T on the plus strand (C>A on the coding strand, the complement: COL4A1 is on the minus strand). VCF-style: chr13-110152345-G-T. GRCh37 (hg19) VCF-style: chr13-110804692-G-T.
Other names: c.4917C>A (NM_001845.4); short protein forms S1639R.
Identifiers: ClinVar variation 1716629 (VCV001716629.6), dbSNP rs1355587586, ClinGen allele CA388654056.